The following is an entry in ClinVar:

NM_003919.3(SGCE):c.1214A>G (p.Asn405Ser)

Genes: CASD1 (CAS1 domain sialic acid O acetyltransferase 1; plus strand), SGCE (sarcoglycan epsilon; minus strand). Cytogenetic location: 7q21.3.
Variant type: single nucleotide variant.
Coding change: c.1214A>G on transcript NM_003919.3 (MANE Select); coding-DNA position 1214, A replaced by G.
Protein change: p.Asn405Ser; replaces asparagine 405 with serine.
Molecular consequence: missense variant.
Genome position (GRCh38, 1-based): chr7:94,598,814, T>C on the plus strand (A>G on the coding strand, the complement: SGCE is on the minus strand). VCF-style: chr7-94598814-T-C. GRCh37 (hg19) VCF-style: chr7-94228126-T-C.
Other names: c.1187A>G, p.Asn396Ser (NM_001099400.2, NM_001346717.2); c.1214A>G, p.Asn405Ser (NM_001099401.2); c.1091A>G, p.Asn364Ser (NM_001301139.2); c.1322A>G, p.Asn441Ser (NM_001346713.2); c.1295A>G, p.Asn432Ser (NM_001346715.2); c.1127A>G, p.Asn376Ser (NM_001346719.2); c.941A>G, p.Asn314Ser (NM_001346720.2); c.1100A>G, p.Asn367Ser (NM_001362807.2); and 2 more; short protein forms N314S, N364S, N367S, N432S, N396S, N441S, N305S, N355S.
Identifiers: ClinVar variation 648594 (VCV000648594.6), dbSNP rs1584521458, ClinGen allele CA368228891.

ClinVar aggregate classification (germline): Uncertain significance (1 of 4 stars; one submission).

Conditions:
Myoclonic dystonia 11 (DYT11). Also called: SGCE Myoclonus-Dystonia; Myoclonus-Dystonia; DYT-SGCE; Myoclonic dystonia; Dystonia 11; Dystonia, alcohol responsive. Identifiers: Orphanet 36899, MedGen C1834570, MONDO:0008044, OMIM 159900.

Allele frequency attached by ClinVar (database versions not stated): TOPMed below 0.00001; gnomAD exomes below 0.00001.
gnomAD v4.1: 1 of 1,613,548 alleles (0.000062%); highest among the groups gnomAD compares: Non-Finnish European, 0.000085%; no homozygotes.

Submission:

Labcorp Genetics (formerly Invitae), Labcorp
Classification: Uncertain significance for Myoclonic dystonia 11. Last evaluated: 2021-08-27. Review status: criteria provided, single submitter. Criteria: Invitae Variant Classification Sherloc (09022015). Collection method: clinical testing. Allele origin: germline.
Comment: This sequence change replaces asparagine with serine at codon 405 of the SGCE protein (p.Asn405Ser). The asparagine residue is moderately conserved and there is a small physicochemical difference between asparagine and serine. This variant is not present in population databases (ExAC no frequency). This variant has not been reported in the literature in individuals affected with SGCE-related conditions. Algorithms developed to predict the effect of missense changes on protein structure and function output the following: SIFT: "Tolerated"; PolyPhen-2: "Benign"; Align-GVGD: "Class C0". The serine amino acid residue is found in multiple mammalian species, which suggests that this missense change does not adversely affect protein function. Algorithms developed to predict the effect of sequence changes on RNA splicing suggest that this variant may create or strengthen a splice site. In summary, the available evidence is currently insufficient to determine the role of this variant in disease. Therefore, it has been classified as a Variant of Uncertain Significance.